The following is an entry in ClinVar:

ClinVar aggregate classification (germline): Uncertain significance. Review status: criteria provided, multiple submitters, no conflicts (2 of 4 stars). 2 submissions from 2 submitters: Uncertain significance (2). Last evaluated 2026-07-25.

Conditions:
RP1L1-related disorder. Also called: RP1L1-related condition.
Inborn genetic diseases. Identifiers: MedGen C0950123, MeSH D030342.

Allele frequency attached by ClinVar (database versions not stated): gnomAD 0.00005; TOPMed 0.00007.
gnomAD v4.1: 26 of 1,583,122 alleles (0.0016%); highest among the groups gnomAD compares: Admixed American, 0.0055%; no homozygotes.

Submissions (2):

PreventionGenetics, part of Exact Sciences
Classification: Uncertain significance for RP1L1-related condition. Last evaluated: 2026-07-25. Review status: criteria provided, single submitter. Criteria: ACMG Guidelines, 2015. Collection method: clinical testing. Allele origin: germline.
Comment: The RP1L1 c.2576G>A variant is predicted to result in the amino acid substitution p.Gly859Glu. To our knowledge, this variant has not been reported in the literature. This variant is reported in 0.0037% of alleles in individuals of South Asian descent in gnomAD. At this time, the clinical significance of this variant is uncertain due to the absence of conclusive functional and genetic evidence.

Ambry Genetics
Classification: Uncertain significance for Inborn genetic diseases. Last evaluated: 2025-08-23. Review status: criteria provided, single submitter. Criteria: Ambry Variant Classification Scheme 2023. Collection method: clinical testing. Allele origin: germline.

NM_178857.6(RP1L1):c.2576G>A (p.Gly859Glu)

Gene: RP1L1 (RP1 like 1). Cytogenetic location: 8p23.1.
Variant type: single nucleotide variant.
Coding change: c.2576G>A on transcript NM_178857.6 (MANE Select); coding-DNA position 2576, G replaced by A.
Protein change: p.Gly859Glu; replaces glycine 859 with glutamic acid.
Molecular consequence: missense variant.
Genome position (GRCh38, 1-based): chr8:10,611,522, C>T on the plus strand (G>A on the coding strand, the complement: RP1L1 is on the minus strand). VCF-style: chr8-10611522-C-T. GRCh37 (hg19) VCF-style: chr8-10469032-C-T.
Other names: short protein forms G859E.
Identifiers: ClinVar variation 2461705 (VCV002461705.4), dbSNP rs911599220, ClinGen allele CA171945267.
Genomic context (GRCh38, chr8:10,611,522, plus strand): 5'-CTTTGGTGGCTGCTGCCGGTGCTCCCACAGCTGGAAGAGCGCCTCTGGGGGCAGGGCCGC[C>T]CCCTGGGCGGGGTGGGACAGTACCTGCCACACAGCCAGCTAGCCTCAGGGGAGGGTCCCC-3'
Protein context (NP_849188.4, residues 849-869): CGRYCPTPPR[Gly859Glu]RPCPQRRSSS